The following is an entry in ClinVar:

NM_006914.4(RORB):c.419C>T (p.Thr140Ile)

Gene: RORB (RAR related orphan receptor B; plus strand). Cytogenetic location: 9q21.13.
Variant type: single nucleotide variant.
Coding change: c.419C>T on transcript NM_006914.4 (MANE Select); coding-DNA position 419, C replaced by T.
Protein change: p.Thr140Ile; replaces threonine 140 with isoleucine.
Molecular consequence: missense variant.
Genome position (GRCh38, 1-based): chr9:74,642,597, C>T. VCF-style: chr9-74642597-C-T. GRCh37 (hg19) VCF-style: chr9-77257513-C-T.
Other names: c.452C>T, p.Thr151Ile (NM_001365023.1); short protein forms T151I, T140I.
Identifiers: ClinVar variation 1393779 (VCV001393779.6), dbSNP rs751596774, ClinGen allele CA5083366.

ClinVar aggregate classification (germline): Uncertain significance (1 of 4 stars; one submission).

Allele frequency attached by ClinVar (database versions not stated): gnomAD exomes 0.00002 and 0.00001; ExAC 0.00004; TOPMed 0.00002.
gnomAD v4.1: 5 of 1,614,222 alleles (0.00031%); highest among the groups gnomAD compares: East Asian, 0.011%; no homozygotes.

Submission:

Labcorp Genetics (formerly Invitae), Labcorp
Classification: Uncertain significance. Last evaluated: 2025-10-02. Review status: criteria provided, single submitter. Criteria: Invitae Variant Classification Sherloc (09022015). Collection method: clinical testing. Allele origin: germline.
Comment: This sequence change replaces threonine, which is neutral and polar, with isoleucine, which is neutral and non-polar, at codon 140 of the RORB protein (p.Thr140Ile). This variant is present in population databases (rs751596774, gnomAD 0.03%). This variant has not been reported in the literature in individuals affected with RORB-related conditions. ClinVar contains an entry for this variant (Variation ID: 1393779). An algorithm developed to predict the effect of missense changes on protein structure and function (PolyPhen-2) suggests that this variant is likely to be tolerated. In summary, the available evidence is currently insufficient to determine the role of this variant in disease. Therefore, it has been classified as a Variant of Uncertain Significance.